The following is an entry in ClinVar:

ClinVar aggregate classification (germline): Uncertain significance (1 of 4 stars; one submission).

Conditions:
Neuropathy, hereditary sensory and autonomic, type 2A (HSAN2A). Also called: ACROOSTEOLYSIS, GIACCAI TYPE; ACROOSTEOLYSIS, NEUROGENIC; NEUROPATHY, CONGENITAL SENSORY; NEUROPATHY, HEREDITARY SENSORY RADICULAR, AUTOSOMAL RECESSIVE; NEUROPATHY, HEREDITARY SENSORY, TYPE IIA; NEUROPATHY, PROGRESSIVE SENSORY, OF CHILDREN. Identifiers: Orphanet 970, MedGen C2752089, MONDO:0024309, OMIM 201300.
Generalized epilepsy with febrile seizures plus, type 7 (GEFSP7). Also called: GEFS+, TYPE 7. Identifiers: Orphanet 36387, MedGen C2751778, MONDO:0013470, OMIM 613863.

Allele frequency attached by ClinVar (database versions not stated): gnomAD exomes below 0.00001; ExAC 0.00001; gnomAD 0.00001; TOPMed 0.00002.
gnomAD v4.1: 3 of 1,614,042 alleles (0.00019%); highest among the groups gnomAD compares: African/African-American, 0.0027%; no homozygotes.

Submission:

Labcorp Genetics (formerly Invitae), Labcorp
Classification: Uncertain significance for Neuropathy, hereditary sensory and autonomic, type 2A; Generalized epilepsy with febrile seizures plus, type 7. Last evaluated: 2025-02-13. Review status: criteria provided, single submitter. Criteria: Invitae Variant Classification Sherloc (09022015). Collection method: clinical testing. Allele origin: germline.
Comment: This sequence change replaces proline, which is neutral and non-polar, with leucine, which is neutral and non-polar, at codon 1722 of the SCN9A protein (p.Pro1722Leu). This variant is present in population databases (rs766522690, gnomAD 0.007%). This variant has not been reported in the literature in individuals affected with SCN9A-related conditions. ClinVar contains an entry for this variant (Variation ID: 1387477). Invitae Evidence Modeling of protein sequence and biophysical properties (such as structural, functional, and spatial information, amino acid conservation, physicochemical variation, residue mobility, and thermodynamic stability) indicates that this missense variant is not expected to disrupt SCN9A protein function with a negative predictive value of 80%. In summary, the available evidence is currently insufficient to determine the role of this variant in disease. Therefore, it has been classified as a Variant of Uncertain Significance.

NM_001365536.1(SCN9A):c.5198C>T (p.Pro1733Leu)

Genes: SCN9A (sodium voltage-gated channel alpha subunit 9; minus strand), SCN1A-AS1 (SCN1A and SCN9A antisense RNA 1; plus strand). Cytogenetic location: 2q24.3.
Variant type: single nucleotide variant.
Coding change: c.5198C>T on transcript NM_001365536.1 (MANE Select); coding-DNA position 5198, C replaced by T.
Protein change: p.Pro1733Leu; replaces proline 1733 with leucine.
Molecular consequence: missense variant.
Genome position (GRCh38, 1-based): chr2:166,199,441, G>A on the plus strand (C>T on the coding strand, the complement: SCN9A is on the minus strand). VCF-style: chr2-166199441-G-A. GRCh37 (hg19) VCF-style: chr2-167055951-G-A.
Other names: c.5165C>T, p.Pro1722Leu (NM_002977.4); short protein forms P1722L, P1733L.
Identifiers: ClinVar variation 1387477 (VCV001387477.6), dbSNP rs766522690, ClinGen allele CA1943714.